The following is an entry in ClinVar:

NM_000038.6(APC):c.2545G>T (p.Asp849Tyr)

Gene: APC (APC regulator of Wnt signaling pathway; plus strand). Cytogenetic location: 5q22.2.
Variant type: single nucleotide variant.
Coding change: c.2545G>T on transcript NM_000038.6 (MANE Select); coding-DNA position 2545, G replaced by T.
Protein change: p.Asp849Tyr; replaces aspartic acid 849 with tyrosine.
Molecular consequence: missense variant.
Genome position (GRCh38, 1-based): chr5:112,838,139, G>T. VCF-style: chr5-112838139-G-T. GRCh37 (hg19) VCF-style: chr5-112173836-G-T.
Other names: c.2545G>T, p.Asp849Tyr (NM_001127510.3, NM_001354895.2); c.2491G>T, p.Asp831Tyr (NM_001127511.3); c.2599G>T, p.Asp867Tyr (NM_001354896.2); c.2575G>T, p.Asp859Tyr (NM_001354897.2); c.2470G>T, p.Asp824Tyr (NM_001354898.2); c.2461G>T, p.Asp821Tyr (NM_001354899.2); c.2422G>T, p.Asp808Tyr (NM_001354900.2); c.2368G>T, p.Asp790Tyr (NM_001354901.2); and 5 more; short protein forms D831Y, D849Y, D689Y, D723Y, D748Y, D867Y, D790Y, D824Y.
Identifiers: ClinVar variation 489426 (VCV000489426.21), dbSNP rs752193945, ClinGen allele CA16026909.

ClinVar aggregate classification (germline): Uncertain significance. Review status: criteria provided, multiple submitters, no conflicts (2 of 4 stars). 4 submissions from 4 submitters: Uncertain significance (4). Last evaluated 2025-09-04.

Conditions:
Familial adenomatous polyposis 1 (FAP1). Also called: POLYPOSIS, ADENOMATOUS INTESTINAL; FAMILIAL ADENOMATOUS POLYPOSIS 1, ATTENUATED. Identifiers: MedGen C2713442, MONDO:0021056, OMIM 175100. Disease mechanism: loss of function.
Hereditary cancer-predisposing syndrome. Also called: Hereditary Cancer Syndrome; Neoplastic Syndromes, Hereditary; Tumor predisposition; Hereditary neoplastic syndrome. Identifiers: Orphanet 140162, MedGen C0027672, MeSH D009386, MONDO:0015356.
Classic or attenuated familial adenomatous polyposis. Identifiers: MedGen CN372698, MONDO:0021057.

Submissions (4):

Ambry Genetics
Classification: Uncertain significance for Hereditary cancer-predisposing syndrome. Last evaluated: 2025-09-04. Review status: criteria provided, single submitter. Criteria: Ambry Variant Classification Scheme 2023. Collection method: clinical testing. Allele origin: germline.
Comment: The p.D849Y variant (also known as c.2545G>T), located in coding exon 15 of the APC gene, results from a G to T substitution at nucleotide position 2545. The aspartic acid at codon 849 is replaced by tyrosine, an amino acid with highly dissimilar properties. This amino acid position is highly conserved in available vertebrate species. In addition, in silico predictors for this gene do not accurately predict pathogenicity. Since supporting evidence is limited at this time, the clinical significance of this alteration remains unclear.

All of Us Research Program, National Institutes of Health
Classification: Uncertain significance for Classic or attenuated familial adenomatous polyposis. Last evaluated: 2024-05-09. Review status: criteria provided, single submitter. Criteria: ACMG Guidelines, 2015. Collection method: clinical testing. Allele origin: germline. Inheritance: Autosomal dominant inheritance. Observed: 1 variant allele, 1 heterozygote.
Comment: This study involves interpretation of variants in research participants for the purpose of population health screening. Participant phenotype was not available at the time of variant classification. Additional details can be found in publication PMID: 35346344, PMCID: PMC8962531

Color Diagnostics, LLC DBA Color Health
Classification: Uncertain significance for Hereditary cancer-predisposing syndrome. Last evaluated: 2023-12-05. Review status: criteria provided, single submitter. Criteria: ACMG Guidelines, 2015. Collection method: clinical testing. Allele origin: germline.
Comment: This missense variant replaces aspartic acid with tyrosine at codon 849 of the APC protein. Computational prediction suggests that this variant may not impact protein structure and function (internally defined REVEL score threshold <= 0.5, PMID: 27666373). To our knowledge, functional studies have not been reported for this variant. This variant has not been reported in individuals affected with APC-related disorders in the literature. This variant has not been identified in the general population by the Genome Aggregation Database (gnomAD). The available evidence is insufficient to determine the role of this variant in disease conclusively. Therefore, this variant is classified as a Variant of Uncertain Significance.

Labcorp Genetics (formerly Invitae), Labcorp
Classification: Uncertain significance for Familial adenomatous polyposis 1. Last evaluated: 2018-11-04. Review status: criteria provided, single submitter. Criteria: Invitae Variant Classification Sherloc (09022015). Collection method: clinical testing. Allele origin: germline.
Comment: This variant has not been reported in the literature in individuals with APC-related disease. ClinVar contains an entry for this variant (Variation ID: 489426). This variant is not present in population databases (ExAC no frequency). This sequence change replaces aspartic acid with tyrosine at codon 849 of the APC protein (p.Asp849Tyr). The aspartic acid residue is highly conserved and there is a large physicochemical difference between aspartic acid and tyrosine. Algorithms developed to predict the effect of missense changes on protein structure and function (SIFT, PolyPhen-2, Align-GVGD) all suggest that this variant is likely to be disruptive, but these predictions have not been confirmed by published functional studies and their clinical significance is uncertain. In summary, the available evidence is currently insufficient to determine the role of this variant in disease. Therefore, it has been classified as a Variant of Uncertain Significance.